The following is an entry in ClinVar:

ClinVar aggregate classification (germline): Uncertain significance (1 of 4 stars; one submission).

Submission:

GeneDx
Classification: Uncertain significance. Last evaluated: 2023-07-29. Review status: criteria provided, single submitter. Criteria: GeneDx Variant Classification Process June 2021. Collection method: clinical testing. Allele origin: germline. Affected: yes.
Comment: Not observed at significant frequency in large population cohorts (gnomAD); In silico analysis supports that this missense variant has a deleterious effect on protein structure/function; Has not been previously published as pathogenic or benign to our knowledge

NM_001162501.2(TNRC6B):c.2845A>G (p.Thr949Ala)

Gene: TNRC6B (trinucleotide repeat containing adaptor 6B; plus strand). Cytogenetic location: 22q13.1.
Variant type: single nucleotide variant.
Coding change: c.2845A>G on transcript NM_001162501.2 (MANE Select); coding-DNA position 2845, A replaced by G.
Protein change: p.Thr949Ala; replaces threonine 949 with alanine.
Molecular consequence: missense variant. On other transcripts: intron variant (1).
Genome position (GRCh38, 1-based): chr22:40,270,160, A>G. VCF-style: chr22-40270160-A-G. GRCh37 (hg19) VCF-style: chr22-40666164-A-G.
Other names: c.604A>G, p.Thr202Ala (NM_001024843.2); c.2806+3124A>G (NM_015088.3); short protein forms T202A, T949A.
Identifiers: ClinVar variation 3361741 (VCV003361741.1).
Genomic context (GRCh38, chr22:40,270,160, plus strand): 5'-GAGACATTTCCTTTCTTTATAGTCTGGAGCAAAAGCACACCACCTGCTCCAGATAATGGT[A>G]CTTCCGCTTGGGGTGAGCCAAATGAAAGCAGTCCTGGGTGGGGCGAGATGGATGATACAG-3'
Protein context (NP_001155973.1, residues 939-959): KSTPPAPDNG[Thr949Ala]SAWGEPNESS